The following is an entry in ClinVar:

ClinVar aggregate classification (germline): Uncertain significance. Review status: criteria provided, multiple submitters, no conflicts (2 of 4 stars). 4 submissions from 4 submitters: Uncertain significance (4). Last evaluated 2025-08-24.

Conditions:
Cardiovascular phenotype. Identifiers: MedGen CN230736.
ALPK3-related disorder. Also called: ALPK3-related condition.

Allele frequency attached by ClinVar (database versions not stated): ExAC 0.00001; gnomAD exomes 0.00001 and 0.00003.
gnomAD v4.1: 40 of 1,614,126 alleles (0.0025%); highest among the groups gnomAD compares: Non-Finnish European, 0.0034%; no homozygotes.

Submissions (4):

Labcorp Genetics (formerly Invitae), Labcorp
Classification: Uncertain significance. Last evaluated: 2025-08-24. Review status: criteria provided, single submitter. Criteria: Invitae Variant Classification Sherloc (09022015). Collection method: clinical testing. Allele origin: germline.
Comment: This sequence change replaces leucine, which is neutral and non-polar, with valine, which is neutral and non-polar, at codon 1594 of the ALPK3 protein (p.Leu1594Val). This variant is present in population databases (rs771958254, gnomAD 0.002%). This variant has not been reported in the literature in individuals affected with ALPK3-related conditions. ClinVar contains an entry for this variant (Variation ID: 423027). Invitae Evidence Modeling of protein sequence and biophysical properties (such as structural, functional, and spatial information, amino acid conservation, physicochemical variation, residue mobility, and thermodynamic stability) indicates that this missense variant is expected to disrupt ALPK3 protein function with a positive predictive value of 80%. In summary, the available evidence is currently insufficient to determine the role of this variant in disease. Therefore, it has been classified as a Variant of Uncertain Significance.

PreventionGenetics, part of Exact Sciences
Classification: Uncertain significance for ALPK3-related condition. Last evaluated: 2025-08-15. Review status: criteria provided, single submitter. Criteria: ACMG Guidelines, 2015. Collection method: clinical testing. Allele origin: germline.
Comment: The ALPK3 c.4780C>G variant is predicted to result in the amino acid substitution p.Leu1594Val. To our knowledge, this variant has not been reported in the literature. This variant is reported in 0.0018% of alleles in individuals of European (Non-Finnish) descent in gnomAD. At this time, the clinical significance of this variant is uncertain due to the absence of conclusive functional and genetic evidence.

Ambry Genetics
Classification: Uncertain significance for Cardiovascular phenotype. Last evaluated: 2023-02-16. Review status: criteria provided, single submitter. Criteria: Ambry Variant Classification Scheme 2023. Collection method: clinical testing. Allele origin: germline.
Comment: The p.L1594V variant (also known as c.4780C>G), located in coding exon 10 of the ALPK3 gene, results from a C to G substitution at nucleotide position 4780. The leucine at codon 1594 is replaced by valine, an amino acid with highly similar properties. This amino acid position is conserved. In addition, this alteration is predicted to be tolerated by in silico analysis. Since supporting evidence is limited at this time, the clinical significance of this alteration remains unclear.

GeneDx
Classification: Uncertain significance. Last evaluated: 2017-05-17. Review status: criteria provided, single submitter. Criteria: GeneDx Variant Classification (06012015). Collection method: clinical testing. Allele origin: germline. Affected: yes.
Comment: A variant of uncertain significance has been identified in the ALPK3 gene. The L1594V variant has not been published as pathogenic or been reported as benign to our knowledge. This variant is not observed at a significant frequency in large population cohorts (Lek et al., 2016; 1000 Genomes Consortium et al., 2015; Exome Variant Server). This substitution occurs at a position that is conserved across species, and 2/3 in silico algorithms predict this variant is probably damaging to the protein structure/function. However, the L1594V variant is a conservative amino acid substitution, which is not likely to impact secondary protein structure as these residues share similar properties. Furthermore, to our knowledge no studies have been performed to determine the functional effect of the L1594V variant.

NM_020778.5(ALPK3):c.4174C>G (p.Leu1392Val)

Gene: ALPK3 (alpha kinase 3; plus strand). Cytogenetic location: 15q25.3.
Variant type: single nucleotide variant.
Coding change: c.4174C>G on transcript NM_020778.5 (MANE Select); coding-DNA position 4174, C replaced by G.
Protein change: p.Leu1392Val; replaces leucine 1392 with valine.
Molecular consequence: missense variant.
Genome position (GRCh38, 1-based): chr15:84,862,679, C>G. VCF-style: chr15-84862679-C-G. GRCh37 (hg19) VCF-style: chr15-85405910-C-G.
Other names: short protein forms L1594V, L1392V.
Identifiers: ClinVar variation 423027 (VCV000423027.10), dbSNP rs771958254, ClinGen allele CA7709888.
Genomic context (GRCh38, chr15:84,862,679, plus strand): 5'-TCCTGTTCCCCTTCAGTTGGAGAAGAGATTGAGATGACCCCTATGGTGTTTGCTAAGGGT[C>G]TGGCTGACTCTGGCTGCTGGGGGGACAAGCTCTTTGGGCGACTGGTAAGCGAGGAGCTCC-3'
Protein context (NP_065829.4, residues 1382-1402): EMTPMVFAKG[Leu1392Val]ADSGCWGDKL